The following is an entry in ClinVar:

NM_005359.6(SMAD4):c.1448-8T>C

Gene: SMAD4 (SMAD family member 4; plus strand). Cytogenetic location: 18q21.2.
Variant type: single nucleotide variant.
Coding change: c.1448-8T>C on transcript NM_005359.6 (MANE Select); 8 bases into the intron before coding-DNA position 1448, T replaced by C.
Molecular consequence: intron variant.
Genome position (GRCh38, 1-based): chr18:51,078,248, T>C. VCF-style: chr18-51078248-T-C. GRCh37 (hg19) VCF-style: chr18-48604618-T-C.
Other names: c.1448-8T>C (NM_001407042.1, NM_001407041.1).
Identifiers: ClinVar variation 3903815 (VCV003903815.1).

ClinVar aggregate classification (germline): Likely benign (1 of 4 stars; one submission).

Conditions:
Juvenile polyposis/hereditary hemorrhagic telangiectasia syndrome (JPHT). Also called: JP/HHT SYNDROME; JUVENILE POLYPOSIS WITH HEREDITARY HEMORRHAGIC TELANGIECTASIA; POLYPOSIS, GENERALIZED JUVENILE, WITH PULMONARY ARTERIOVENOUS MALFORMATION; TELANGIECTASIA, HEREDITARY HEMORRHAGIC, WITH JUVENILE POLYPOSIS COLI; Juvenile Polyposis Syndrome / Hereditary Hemorrhagic Telangiectasia (JPS/HHT). Identifiers: Orphanet 2929, MedGen C1832942, MONDO:0008278, OMIM 175050.

Submission:

Myriad Genetics, Inc.
Classification: Likely benign for Juvenile polyposis/hereditary hemorrhagic telangiectasia syndrome. Last evaluated: 2025-03-24. Review status: criteria provided, single submitter. Criteria: Myriad Autosomal Dominant, Autosomal Recessive and X-Linked Classification Criteria (2023). Collection method: clinical testing. Allele origin: unknown.
Comment: This variant is considered likely benign. This variant is intronic and is not expected to impact mRNA splicing.